The following is an entry in ClinVar:

NM_145886.4(PIDD1):c.1954C>T (p.Arg652Trp)

Gene: PIDD1 (p53-induced death domain protein 1; minus strand). Cytogenetic location: 11p15.5.
Variant type: single nucleotide variant.
Coding change: c.1954C>T on transcript NM_145886.4 (MANE Select); coding-DNA position 1954, C replaced by T.
Protein change: p.Arg652Trp; replaces arginine 652 with tryptophan.
Molecular consequence: missense variant.
Genome position (GRCh38, 1-based): chr11:800,630, G>A on the plus strand (C>T on the coding strand, the complement: PIDD1 is on the minus strand). VCF-style: chr11-800630-G-A. GRCh37 (hg19) VCF-style: chr11-800630-G-A.
Other names: c.1954C>T, p.Arg652Trp (NM_145887.4); short protein forms R652W.
Identifiers: ClinVar variation 3038295 (VCV003038295.2), dbSNP rs147896191, ClinGen allele CA5789826.

ClinVar aggregate classification (germline): Benign (0 of 4 stars; one submission).

Conditions:
PIDD1-related disorder. Also called: PIDD1-related condition.

Allele frequency attached by ClinVar (database versions not stated): 1000 Genomes Project 30x 0.00312; 1000 Genomes Project 0.00359; TOPMed 0.00873; ESP Exome Variant Server 0.00874; gnomAD 0.01066; ExAC 0.01291; gnomAD exomes 0.01387.

Submission:

PreventionGenetics, part of Exact Sciences
Classification: Benign for PIDD1-related condition. Last evaluated: 2019-09-12. Review status: no assertion criteria provided. Collection method: clinical testing. Allele origin: germline.
Comment: This variant is classified as benign based on ACMG/AMP sequence variant interpretation guidelines (Richards et al. 2015 PMID: 25741868, with internal and published modifications).